The following is an entry in ClinVar:

NM_006269.2(RP1):c.2593A>T (p.Thr865Ser)

Gene: RP1 (RP1 axonemal microtubule associated; plus strand). Cytogenetic location: 8q12.1.
Variant type: single nucleotide variant.
Coding change: c.2593A>T on transcript NM_006269.2 (MANE Select); coding-DNA position 2593, A replaced by T.
Protein change: p.Thr865Ser; replaces threonine 865 with serine.
Molecular consequence: missense variant. On other transcripts: intron variant (1).
Genome position (GRCh38, 1-based): chr8:54,626,475, A>T. VCF-style: chr8-54626475-A-T. GRCh37 (hg19) VCF-style: chr8-55539035-A-T.
Other names: c.787+4187A>T (NM_001375654.1); short protein forms T865S.
Identifiers: ClinVar variation 1442828 (VCV001442828.8), dbSNP rs2129316709, ClinGen allele CA370994188.
Genomic context (GRCh38, chr8:54,626,475, plus strand): 5'-GGGTATTTGAGAGGAATGGCAAAGAAGAGTTTAGTTTCAAAAGTTACTGATTCACACATA[A>T]CTTTAAAAAGCCAGAAAAAACGTAAAGGGGATAAAGTGAAAGCAAGTGCTATTTTAAGTA-3'
Protein context (NP_006260.1, residues 855-875): LVSKVTDSHI[Thr865Ser]LKSQKKRKGD

ClinVar aggregate classification (germline): Uncertain significance (1 of 4 stars; one submission).

Submission:

Labcorp Genetics (formerly Invitae), Labcorp
Classification: Uncertain significance. Last evaluated: 2023-08-14. Review status: criteria provided, single submitter. Criteria: Invitae Variant Classification Sherloc (09022015). Collection method: clinical testing. Allele origin: germline.
Comment: This sequence change replaces threonine, which is neutral and polar, with serine, which is neutral and polar, at codon 865 of the RP1 protein (p.Thr865Ser). This variant is not present in population databases (gnomAD no frequency). This variant has not been reported in the literature in individuals affected with RP1-related conditions. ClinVar contains an entry for this variant (Variation ID: 1442828). Algorithms developed to predict the effect of missense changes on protein structure and function output the following: SIFT: "Not Available"; PolyPhen-2: "Benign"; Align-GVGD: "Not Available". The serine amino acid residue is found in multiple mammalian species, which suggests that this missense change does not adversely affect protein function. In summary, the available evidence is currently insufficient to determine the role of this variant in disease. Therefore, it has been classified as a Variant of Uncertain Significance.